The following is an entry in ClinVar:

NM_001271.4(CHD2):c.1729T>G (p.Tyr577Asp)

Gene: CHD2 (chromodomain helicase DNA binding protein 2; plus strand). Cytogenetic location: 15q26.1.
Variant type: single nucleotide variant.
Coding change: c.1729T>G on transcript NM_001271.4 (MANE Select); coding-DNA position 1729, T replaced by G.
Protein change: p.Tyr577Asp; replaces tyrosine 577 with aspartic acid.
Molecular consequence: missense variant.
Genome position (GRCh38, 1-based): chr15:92,955,432, T>G. VCF-style: chr15-92955432-T-G. GRCh37 (hg19) VCF-style: chr15-93498662-T-G.
Other names: short protein forms Y577D.
Identifiers: ClinVar variation 1383980 (VCV001383980.6), dbSNP rs2141814817, ClinGen allele CA393905517.

ClinVar aggregate classification (germline): Uncertain significance (1 of 4 stars; one submission).

Conditions:
Developmental and epileptic encephalopathy 94 (DEE94). Also called: CHD2-Related Neurodevelopmental Disorders; Epileptic encephalopathy, childhood-onset. Identifiers: Orphanet 1942, Orphanet 2382, MedGen C3809278, MONDO:0014150, OMIM 615369.

gnomAD v4.1: 1 of 1,581,830 alleles (0.000063%); no homozygotes.

Submission:

Labcorp Genetics (formerly Invitae), Labcorp
Classification: Uncertain significance for Developmental and epileptic encephalopathy 94. Last evaluated: 2021-09-30. Review status: criteria provided, single submitter. Criteria: Invitae Variant Classification Sherloc (09022015). Collection method: clinical testing. Allele origin: germline.
Comment: In summary, the available evidence is currently insufficient to determine the role of this variant in disease. Therefore, it has been classified as a Variant of Uncertain Significance. Advanced modeling of protein sequence and biophysical properties (such as structural, functional, and spatial information, amino acid conservation, physicochemical variation, residue mobility, and thermodynamic stability) performed at Invitae indicates that this missense variant is expected to disrupt CHD2 protein function. This variant has not been reported in the literature in individuals affected with CHD2-related conditions. This variant is not present in population databases (ExAC no frequency). This sequence change replaces tyrosine with aspartic acid at codon 577 of the CHD2 protein (p.Tyr577Asp). The tyrosine residue is highly conserved and there is a large physicochemical difference between tyrosine and aspartic acid.